The following is an entry in ClinVar:

NM_000587.4(C7):c.2162G>A (p.Cys721Tyr)

Gene: C7 (complement C7; plus strand). Cytogenetic location: 5p13.1.
Variant type: single nucleotide variant.
Coding change: c.2162G>A on transcript NM_000587.4 (MANE Select); coding-DNA position 2162, G replaced by A.
Protein change: p.Cys721Tyr; replaces cysteine 721 with tyrosine.
Molecular consequence: missense variant.
Genome position (GRCh38, 1-based): chr5:40,976,837, G>A. VCF-style: chr5-40976837-G-A. GRCh37 (hg19) VCF-style: chr5-40976939-G-A.
Other names: short protein forms C721Y.
Identifiers: ClinVar variation 2119423 (VCV002119423.4), dbSNP rs1446422562, ClinGen allele CA359594395.

ClinVar aggregate classification (germline): Uncertain significance (1 of 4 stars; one submission).

Allele frequency attached by ClinVar (database versions not stated): TOPMed below 0.00001.

Submission:

Labcorp Genetics (formerly Invitae), Labcorp
Classification: Uncertain significance. Last evaluated: 2024-11-05. Review status: criteria provided, single submitter. Criteria: Invitae Variant Classification Sherloc (09022015). Collection method: clinical testing. Allele origin: germline.
Comment: This sequence change replaces cysteine, which is neutral and slightly polar, with tyrosine, which is neutral and polar, at codon 721 of the C7 protein (p.Cys721Tyr). This variant is not present in population databases (gnomAD no frequency). This variant has not been reported in the literature in individuals affected with C7-related conditions. ClinVar contains an entry for this variant (Variation ID: 2119423). Invitae Evidence Modeling of protein sequence and biophysical properties (such as structural, functional, and spatial information, amino acid conservation, physicochemical variation, residue mobility, and thermodynamic stability) indicates that this missense variant is expected to disrupt C7 protein function with a positive predictive value of 80%. In summary, the available evidence is currently insufficient to determine the role of this variant in disease. Therefore, it has been classified as a Variant of Uncertain Significance.